The following is an entry in ClinVar:

ClinVar aggregate classification (germline): Uncertain significance (1 of 4 stars; one submission).

Conditions:
Congenital myasthenic syndrome 4A. Also called: Myasthenic syndrome, congenital, 4a, slow-channel; CONGENITAL MYASTHENIC SYNDROME TYPE Ia1; MYASTHENIC SYNDROME, CONGENITAL, 4A, SLOW-CHANNEL, AUTOSOMAL RECESSIVE. Identifiers: Orphanet 590, MedGen C4225413, MONDO:0011600, OMIM 605809.

Allele frequency attached by ClinVar (database versions not stated): gnomAD exomes below 0.00001.
gnomAD v4.1: 1 of 1,614,174 alleles (0.000062%); highest among the groups gnomAD compares: Non-Finnish European, 0.000085%; no homozygotes.

Submission:

Labcorp Genetics (formerly Invitae), Labcorp
Classification: Uncertain significance for Congenital myasthenic syndrome 4A. Last evaluated: 2023-06-03. Review status: criteria provided, single submitter. Criteria: Invitae Variant Classification Sherloc (09022015). Collection method: clinical testing. Allele origin: germline.
Comment: This variant is not present in population databases (gnomAD no frequency). This variant has not been reported in the literature in individuals affected with CHRNE-related conditions. This sequence change replaces glutamic acid, which is acidic and polar, with glycine, which is neutral and non-polar, at codon 65 of the CHRNE protein (p.Glu65Gly). In summary, the available evidence is currently insufficient to determine the role of this variant in disease. Therefore, it has been classified as a Variant of Uncertain Significance. Advanced modeling of protein sequence and biophysical properties (such as structural, functional, and spatial information, amino acid conservation, physicochemical variation, residue mobility, and thermodynamic stability) has been performed at Invitae for this missense variant, however the output from this modeling did not meet the statistical confidence thresholds required to predict the impact of this variant on CHRNE protein function.

NM_000080.4(CHRNE):c.194A>G (p.Glu65Gly)

Genes: C17orf107 (chromosome 17 open reading frame 107; plus strand), CHRNE (cholinergic receptor nicotinic epsilon subunit; minus strand). Cytogenetic location: 17p13.2.
Variant type: single nucleotide variant.
Coding change: c.194A>G on transcript NM_000080.4 (MANE Select); coding-DNA position 194, A replaced by G.
Protein change: p.Glu65Gly; replaces glutamic acid 65 with glycine.
Molecular consequence: missense variant. On other transcripts: 3 prime UTR variant (1).
Genome position (GRCh38, 1-based): chr17:4,902,490, T>C on the plus strand (A>G on the coding strand, the complement: CHRNE is on the minus strand). VCF-style: chr17-4902490-T-C. GRCh37 (hg19) VCF-style: chr17-4805785-T-C.
Other names: c.*1957T>C (NM_001145536.2); short protein forms E65G.
Identifiers: ClinVar variation 2806885 (VCV002806885.3), dbSNP rs2507562719, ClinGen allele CA397307583.